The following is an entry in ClinVar:

NM_006033.4(LIPG):c.111A>C (p.Lys37Asn)

Gene: LIPG (lipase G, endothelial type; plus strand). Cytogenetic location: 18q21.1.
Variant type: single nucleotide variant.
Coding change: c.111A>C on transcript NM_006033.4 (MANE Select); coding-DNA position 111, A replaced by C.
Protein change: p.Lys37Asn; replaces lysine 37 with asparagine.
Molecular consequence: missense variant.
Genome position (GRCh38, 1-based): chr18:49,565,330, A>C. VCF-style: chr18-49565330-A-C. GRCh37 (hg19) VCF-style: chr18-47091700-A-C.
Other names: c.111A>C, p.Lys37Asn (NM_001308006.2); short protein forms K37N.
Identifiers: ClinVar variation 2765391 (VCV002765391.3), dbSNP rs2511292669, ClinGen allele CA402417666.

ClinVar aggregate classification (germline): Uncertain significance (1 of 4 stars; one submission).

Submission:

Labcorp Genetics (formerly Invitae), Labcorp
Classification: Uncertain significance. Last evaluated: 2023-10-04. Review status: criteria provided, single submitter. Criteria: Invitae Variant Classification Sherloc (09022015). Collection method: clinical testing. Allele origin: germline.
Comment: This sequence change replaces lysine, which is basic and polar, with asparagine, which is neutral and polar, at codon 37 of the LIPG protein (p.Lys37Asn). This variant is not present in population databases (gnomAD no frequency). This variant has not been reported in the literature in individuals affected with LIPG-related conditions. An algorithm developed to predict the effect of missense changes on protein structure and function (PolyPhen-2) suggests that this variant is likely to be tolerated. In summary, the available evidence is currently insufficient to determine the role of this variant in disease. Therefore, it has been classified as a Variant of Uncertain Significance.